The following is an entry in ClinVar:

NM_005050.4(ABCD4):c.131T>A (p.Leu44Gln)

Gene: ABCD4 (ATP binding cassette subfamily D member 4; minus strand). Cytogenetic location: 14q24.3.
Variant type: single nucleotide variant.
Coding change: c.131T>A on transcript NM_005050.4 (MANE Select); coding-DNA position 131, T replaced by A.
Protein change: p.Leu44Gln; replaces leucine 44 with glutamine.
Molecular consequence: missense variant. On other transcripts: 5 prime UTR variant (15), non-coding transcript variant (8), intron variant (4).
Genome position (GRCh38, 1-based): chr14:74,300,176, A>T on the plus strand (T>A on the coding strand, the complement: ABCD4 is on the minus strand). VCF-style: chr14-74300176-A-T. GRCh37 (hg19) VCF-style: chr14-74766879-A-T.
Other names: c.131T>A (NM_005050.3); c.131T>A, p.Leu44Gln (NM_001353591.2, NM_001353592.2, NM_020323.1 and 1 more transcripts); c.-279T>A (NM_001353595.2); c.-151T>A (NM_001353596.2, NM_001353597.2); c.-207T>A (NM_001353599.2, NM_020324.3); c.-219T>A (NM_001353600.2); c.-79T>A (NM_001353601.2); c.-559T>A (NM_001353602.2); and 7 more; short protein forms L44Q.
Identifiers: ClinVar variation 1910761 (VCV001910761.6), dbSNP rs751844212, ClinGen allele CA7267334.

ClinVar aggregate classification (germline): Uncertain significance. Review status: criteria provided, multiple submitters, no conflicts (2 of 4 stars). 2 submissions from 2 submitters: Uncertain significance (2). Last evaluated 2025-01-24.

Conditions:
Methylmalonic acidemia with homocystinuria, type cblJ (MAHCJ). Also called: METHYLMALONIC ACIDURIA AND HOMOCYSTINURIA, cblJ TYPE. Identifiers: Orphanet 369955, MedGen C3553915, MONDO:0013925, OMIM 614857.
Inborn genetic diseases. Identifiers: MedGen C0950123, MeSH D030342.

gnomAD v4.1: 3 of 1,613,494 alleles (0.00019%); highest among the groups gnomAD compares: Admixed American, 0.005%; no homozygotes.

Submissions (2):

Ambry Genetics
Classification: Uncertain significance for Inborn genetic diseases. Last evaluated: 2025-01-24. Review status: criteria provided, single submitter. Criteria: Ambry Variant Classification Scheme 2023. Collection method: clinical testing. Allele origin: germline.

Labcorp Genetics (formerly Invitae), Labcorp
Classification: Uncertain significance for Methylmalonic acidemia with homocystinuria, type cblJ. Last evaluated: 2024-11-05. Review status: criteria provided, single submitter. Criteria: Invitae Variant Classification Sherloc (09022015). Collection method: clinical testing. Allele origin: germline.
Comment: This sequence change replaces leucine, which is neutral and non-polar, with glutamine, which is neutral and polar, at codon 44 of the ABCD4 protein (p.Leu44Gln). This variant is present in population databases (rs751844212, gnomAD 0.01%). This variant has not been reported in the literature in individuals affected with ABCD4-related conditions. ClinVar contains an entry for this variant (Variation ID: 1910761). An algorithm developed to predict the effect of missense changes on protein structure and function (PolyPhen-2) suggests that this variant is likely to be disruptive. In summary, the available evidence is currently insufficient to determine the role of this variant in disease. Therefore, it has been classified as a Variant of Uncertain Significance.